The following is an entry in ClinVar:

ClinVar aggregate classification (germline): Conflicting classifications of pathogenicity. Review status: criteria provided, conflicting classifications (1 of 4 stars). 5 submissions from 5 submitters: Uncertain significance (4); Likely benign (1). Last evaluated 2025-06-12.

Conditions:
Cardiomyopathy (CMYO). Also called: Cardiomyopathies. Identifiers: Orphanet 167848, MedGen C0878544, MONDO:0004994, HP:0001638. Inheritance: Various modes of inheritance.
Arrhythmogenic cardiomyopathy with wooly hair and keratoderma. Also called: Carvajal syndrome; Dilated cardiomyopathy with woolly hair and keratoderma; Arrhythmogenic cardiomyopathy with woolly hair and keratoderma; PALMOPLANTAR KERATODERMA WITH LEFT VENTRICULAR CARDIOMYOPATHY AND WOOLLY HAIR. Identifiers: Orphanet 65282, MedGen C1854063, MONDO:0011581, OMIM 605676.
Arrhythmogenic right ventricular dysplasia 8 (ARVD8). Also called: Arrhythmogenic Right Ventricular Dysplasia/Cardiomyopathy 8; ARRHYTHMOGENIC RIGHT VENTRICULAR DYSPLASIA, FAMILIAL, 8; ARRHYTHMOGENIC RIGHT VENTRICULAR CARDIOMYOPATHY 8. Identifiers: MedGen C1843896, MONDO:0011831, OMIM 607450.

Allele frequency attached by ClinVar (database versions not stated): ExAC 0.00001; gnomAD 0.00001; gnomAD exomes 0.00001; TOPMed 0.00001.
gnomAD v4.1: 13 of 1,613,760 alleles (0.00081%); highest among the groups gnomAD compares: South Asian, 0.0033%; no homozygotes.

Submissions (5):

GeneDx
Classification: Uncertain significance. Last evaluated: 2025-06-12. Review status: criteria provided, single submitter. Criteria: GeneDx Variant Classification Process June 2021. Collection method: clinical testing. Allele origin: germline. Affected: yes.
Comment: Not observed at significant frequency in large population cohorts (gnomAD); In silico analysis suggests that this missense variant does not alter protein structure/function; Has not been previously published as pathogenic or benign to our knowledge

Labcorp Genetics (formerly Invitae), Labcorp
Classification: Likely benign for Arrhythmogenic cardiomyopathy with wooly hair and keratoderma; Arrhythmogenic right ventricular dysplasia 8. Last evaluated: 2024-12-03. Review status: criteria provided, single submitter. Criteria: Invitae Variant Classification Sherloc (09022015). Collection method: clinical testing. Allele origin: germline.

Color Diagnostics, LLC DBA Color Health
Classification: Uncertain significance for Cardiomyopathy. Last evaluated: 2024-04-09. Review status: criteria provided, single submitter. Criteria: ACMG Guidelines, 2015. Collection method: clinical testing. Allele origin: germline.
Comment: This missense variant replaces valine with methionine at codon 89 of the DSP protein. Computational prediction suggests that this variant may not impact protein structure and function (internally defined REVEL score threshold <= 0.5, PMID: 27666373). To our knowledge, functional studies have not been reported for this variant. This variant has not been reported in individuals affected with DSP-related disorders in the literature. This variant has been identified in 3/282032 chromosomes in the general population by the Genome Aggregation Database (gnomAD). The available evidence is insufficient to determine the role of this variant in disease conclusively. Therefore, this variant is classified as a Variant of Uncertain Significance.

All of Us Research Program, National Institutes of Health
Classification: Uncertain significance for Arrhythmogenic cardiomyopathy with wooly hair and keratoderma. Last evaluated: 2024-01-11. Review status: criteria provided, single submitter. Criteria: ACMG Guidelines, 2015. Collection method: clinical testing. Allele origin: germline. Inheritance: Autosomal dominant inheritance. Observed: 4 variant alleles, 4 heterozygotes.
Comment: This missense variant replaces valine with methionine at codon 89 of the DSP protein. Computational prediction suggests that this variant may not impact protein structure and function (internally defined REVEL score threshold <= 0.5, PMID: 27666373). To our knowledge, functional studies have not been reported for this variant. This variant has not been reported in individuals affected with DSP-related disorders in the literature. This variant has been identified in 3/282032 chromosomes in the general population by the Genome Aggregation Database (gnomAD). The available evidence is insufficient to determine the role of this variant in disease conclusively. Therefore, this variant is classified as a Variant of Uncertain Significance.

This study involves interpretation of variants in research participants for the purpose of population health screening. Participant phenotype was not available at the time of variant classification. Additional details can be found in publication PMID: 35346344, PMCID: PMC8962531

Blueprint Genetics
Classification: Uncertain significance. Last evaluated: 2020-02-05. Review status: criteria provided, single submitter. Criteria: ACMG Guidelines, 2015. Collection method: clinical testing. Allele origin: germline.

NM_004415.4(DSP):c.265G>A (p.Val89Met)

Gene: DSP (desmoplakin; plus strand). Cytogenetic location: 6p24.3.
Variant type: single nucleotide variant.
Coding change: c.265G>A on transcript NM_004415.4 (MANE Select); coding-DNA position 265, G replaced by A.
Protein change: p.Val89Met; replaces valine 89 with methionine.
Molecular consequence: missense variant.
Genome position (GRCh38, 1-based): chr6:7,555,812, G>A. VCF-style: chr6-7555812-G-A. GRCh37 (hg19) VCF-style: chr6-7556045-G-A.
Other names: c.265G>A, p.Val89Met (NM_001008844.3, NM_001319034.2); c.265G>A (LRG_423t1); short protein forms V89M.
Identifiers: ClinVar variation 222571 (VCV000222571.8), dbSNP rs766022243, ClinGen allele CA034526.